The following is an entry in ClinVar:

ClinVar aggregate classification (germline): Uncertain significance (1 of 4 stars; one submission).

Allele frequency attached by ClinVar (database versions not stated): TOPMed 0.00002.

Submission:

Labcorp Genetics (formerly Invitae), Labcorp
Classification: Uncertain significance. Last evaluated: 2022-01-06. Review status: criteria provided, single submitter. Criteria: Invitae Variant Classification Sherloc (09022015). Collection method: clinical testing. Allele origin: germline.
Comment: This sequence change replaces proline, which is neutral and non-polar, with serine, which is neutral and polar, at codon 1072 of the TUBGCP6 protein (p.Pro1072Ser). This variant is not present in population databases (gnomAD no frequency). This variant has not been reported in the literature in individuals affected with TUBGCP6-related conditions. Algorithms developed to predict the effect of missense changes on protein structure and function output the following: SIFT: "Tolerated"; PolyPhen-2: "Benign"; Align-GVGD: "Class C0". The serine amino acid residue is found in multiple mammalian species, which suggests that this missense change does not adversely affect protein function. In summary, the available evidence is currently insufficient to determine the role of this variant in disease. Therefore, it has been classified as a Variant of Uncertain Significance.

NM_020461.4(TUBGCP6):c.3214C>T (p.Pro1072Ser)

Gene: TUBGCP6 (tubulin gamma complex component 6; minus strand). Cytogenetic location: 22q13.33.
Variant type: single nucleotide variant.
Coding change: c.3214C>T on transcript NM_020461.4 (MANE Select); coding-DNA position 3214, C replaced by T.
Protein change: p.Pro1072Ser; replaces proline 1072 with serine.
Molecular consequence: missense variant.
Genome position (GRCh38, 1-based): chr22:50,221,145, G>A on the plus strand (C>T on the coding strand, the complement: TUBGCP6 is on the minus strand). VCF-style: chr22-50221145-G-A. GRCh37 (hg19) VCF-style: chr22-50659574-G-A.
Other names: short protein forms P1072S.
Identifiers: ClinVar variation 1406902 (VCV001406902.5), dbSNP rs1385035201, ClinGen allele CA412184296.